The following is an entry in ClinVar:

NM_017599.4(VEZT):c.1270A>C (p.Asn424His)

Gene: VEZT (vezatin, adherens junctions transmembrane protein; plus strand). Cytogenetic location: 12q22.
Variant type: single nucleotide variant.
Coding change: c.1270A>C on transcript NM_017599.4 (MANE Select); coding-DNA position 1270, A replaced by C.
Protein change: p.Asn424His; replaces asparagine 424 with histidine.
Molecular consequence: missense variant. On other transcripts: non-coding transcript variant (12), intron variant (2).
Genome position (GRCh38, 1-based): chr12:95,282,586, A>C. VCF-style: chr12-95282586-A-C. GRCh37 (hg19) VCF-style: chr12-95676362-A-C.
Other names: c.826A>C, p.Asn276His (NM_001352107.2, NM_001352103.2, NM_001352104.2 and 4 more transcripts); c.1282A>C, p.Asn428His (NM_001352108.2, NM_001352109.2, NM_001352089.2); c.1270A>C, p.Asn424His (NM_001352110.2, NM_001352111.2); c.1177A>C, p.Asn393His (NM_001352112.2, NM_001352091.2); c.1126A>C, p.Asn376His (NM_001352113.2, NM_001352094.2, NM_001352095.2 and 1 more transcripts); c.838A>C, p.Asn280His (NM_001352115.2, NM_001352116.2, NM_001352117.2 and 2 more transcripts); c.1339A>C, p.Asn447His (NM_001352088.2); c.1180A>C, p.Asn394His (NM_001352090.2); and 6 more; short protein forms N276H, N280H, N290H, N350H, N376H, N380H, N393H, N394H.
Identifiers: ClinVar variation 4084996 (VCV004084996.8).

ClinVar aggregate classification (germline): Uncertain significance (1 of 4 stars; one submission).

Submission:

CeGaT Center for Human Genetics Tuebingen
Classification: Uncertain significance. Last evaluated: 2025-07-01. Review status: criteria provided, single submitter. Criteria: CeGaT Center For Human Genetics Tuebingen Variant Classification Criteria Version 2. Collection method: clinical testing. Allele origin: germline. Affected: yes. Observed: 1 variant allele.
Comment: VEZT: PM2, BP4